The following is an entry in ClinVar:

NM_007059.4(KPTN):c.981G>A (p.Leu327=)

Gene: KPTN (kaptin, actin binding protein; minus strand). Cytogenetic location: 19q13.32.
Variant type: single nucleotide variant.
Coding change: c.981G>A on transcript NM_007059.4 (MANE Select); coding-DNA position 981, G replaced by A.
Protein change: p.Leu327=; no amino-acid change (leucine 327 retained).
Molecular consequence: synonymous variant. On other transcripts: non-coding transcript variant (1).
Genome position (GRCh38, 1-based): chr19:47,476,821, C>T on the plus strand (G>A on the coding strand, the complement: KPTN is on the minus strand). VCF-style: chr19-47476821-C-T. GRCh37 (hg19) VCF-style: chr19-47980078-C-T.
Other names: c.813G>A, p.Leu271= (NM_001291296.2).
Identifiers: ClinVar variation 2578834 (VCV002578834.25), dbSNP rs759964330, ClinGen allele CA9540260.

ClinVar aggregate classification (germline): Likely benign (1 of 4 stars; one submission).

Allele frequency attached by ClinVar (database versions not stated): ExAC 0.00002; gnomAD 0.00002; TOPMed 0.00003.
gnomAD v4.1: 71 of 1,586,326 alleles (0.0045%); highest among the groups gnomAD compares: Non-Finnish European, 0.0054%; no homozygotes.

Submission:

CeGaT Center for Human Genetics Tuebingen
Classification: Likely benign. Last evaluated: 2025-10-01. Review status: criteria provided, single submitter. Criteria: CeGaT Center For Human Genetics Tuebingen Variant Classification Criteria Version 2. Collection method: clinical testing. Allele origin: germline. Affected: yes. Observed: 2 variant alleles.
Comment: KPTN: BP4, BP7